The following is an entry in ClinVar:

ClinVar aggregate classification (germline): Uncertain significance (1 of 4 stars; one submission).

Conditions:
DICER1-related tumor predisposition. Also called: DICER1 syndrome; DICER1-related pleuropulmonary blastoma cancer predisposition syndrome. Identifiers: Orphanet 284343, MedGen C3839822, MONDO:0100216.

Allele frequency attached by ClinVar (database versions not stated): gnomAD 0.00001.
gnomAD v4.1: 1 of 1,613,694 alleles (0.000062%); highest among the groups gnomAD compares: Admixed American, 0.0017%; no homozygotes.

Submission:

Labcorp Genetics (formerly Invitae), Labcorp
Classification: Uncertain significance for DICER1-related tumor predisposition. Last evaluated: 2022-02-20. Review status: criteria provided, single submitter. Criteria: Invitae Variant Classification Sherloc (09022015). Collection method: clinical testing. Allele origin: germline.
Comment: This sequence change replaces leucine, which is neutral and non-polar, with valine, which is neutral and non-polar, at codon 51 of the DICER1 protein (p.Leu51Val). In summary, the available evidence is currently insufficient to determine the role of this variant in disease. Therefore, it has been classified as a Variant of Uncertain Significance. Algorithms developed to predict the effect of missense changes on protein structure and function (SIFT, PolyPhen-2, Align-GVGD) all suggest that this variant is likely to be disruptive. This variant has not been reported in the literature in individuals affected with DICER1-related conditions. This variant is not present in population databases (gnomAD no frequency).

NM_177438.3(DICER1):c.151C>G (p.Leu51Val)

Gene: DICER1 (dicer 1, ribonuclease III; minus strand). Cytogenetic location: 14q32.13.
Variant type: single nucleotide variant.
Coding change: c.151C>G on transcript NM_177438.3 (MANE Select); coding-DNA position 151, C replaced by G.
Protein change: p.Leu51Val; replaces leucine 51 with valine.
Molecular consequence: missense variant. On other transcripts: 5 prime UTR variant (9), non-coding transcript variant (6).
Genome position (GRCh38, 1-based): chr14:95,132,671, G>C on the plus strand (C>G on the coding strand, the complement: DICER1 is on the minus strand). VCF-style: chr14-95132671-G-C. GRCh37 (hg19) VCF-style: chr14-95599008-G-C.
Other names: c.151C>G, p.Leu51Val (NM_001195573.1, NM_001271282.3, NM_001291628.2 and 15 more transcripts); c.-124C>G (NM_001395686.1, NM_001395687.1, NM_001395688.1 and 4 more transcripts); c.-308C>G (NM_001395691.1); c.-1418C>G (NM_001395697.1); short protein forms L51V.
Identifiers: ClinVar variation 2100745 (VCV002100745.4), dbSNP rs1894056077, ClinGen allele CA390890177.
Genomic context (GRCh38, chr14:95,132,671, plus strand): 5'-TCTTCCCTGAGCCAGTGTTTAAACAGACGATGGTATTATGATCCAGAGCTGCTTCAAGCA[G>C]TTCAACCTAGAAACATGGTGAAAAAAAAGTTATGCACTTCTTACCTAAGTACAAAATTTA-3'
Protein context (NP_803187.1, residues 41-61): IYTPRKYQVE[Leu51Val]LEAALDHNTI